The following is an entry in ClinVar:

NM_000057.4(BLM):c.101G>A (p.Gly34Asp)

Gene: BLM (BLM RecQ like helicase; plus strand). Cytogenetic location: 15q26.1.
Variant type: single nucleotide variant.
Coding change: c.101G>A on transcript NM_000057.4 (MANE Select); coding-DNA position 101, G replaced by A.
Protein change: p.Gly34Asp; replaces glycine 34 with aspartic acid.
Molecular consequence: missense variant. On other transcripts: 5 prime UTR variant (1).
Genome position (GRCh38, 1-based): chr15:90,749,369, G>A. VCF-style: chr15-90749369-G-A. GRCh37 (hg19) VCF-style: chr15-91292599-G-A.
Other names: c.101G>A, p.Gly34Asp (NM_001287246.2, NM_001287247.2); c.-1191G>A (NM_001287248.2); short protein forms G34D.
Identifiers: ClinVar variation 3261007 (VCV003261007.1).

ClinVar aggregate classification (germline): Uncertain significance (1 of 4 stars; one submission).

Conditions:
Hereditary cancer-predisposing syndrome. Also called: Hereditary Cancer Syndrome; Tumor predisposition; Hereditary neoplastic syndrome; Neoplastic Syndromes, Hereditary. Identifiers: Orphanet 140162, MedGen C0027672, MeSH D009386, MONDO:0015356.

gnomAD v4.1: 1 of 1,596,102 alleles (0.000063%); highest among the groups gnomAD compares: Non-Finnish European, 0.000086%; no homozygotes.

Submission:

Ambry Genetics
Classification: Uncertain significance for Hereditary cancer-predisposing syndrome. Last evaluated: 2024-03-15. Review status: criteria provided, single submitter. Criteria: Ambry Variant Classification Scheme 2023. Collection method: clinical testing. Allele origin: germline.
Comment: The p.G34D variant (also known as c.101G>A), located in coding exon 2 of the BLM gene, results from a G to A substitution at nucleotide position 101. The glycine at codon 34 is replaced by aspartic acid, an amino acid with similar properties. This amino acid position is conserved. In addition, this alteration is predicted to be tolerated by in silico analysis. Based on the available evidence, the clinical significance of this alteration remains unclear.